The following is an entry in ClinVar:

NM_000030.3(AGXT):c.823A>C (p.Ser275Arg)

Gene: AGXT (alanine--glyoxylate aminotransferase; plus strand). Cytogenetic location: 2q37.3.
Variant type: single nucleotide variant.
Coding change: c.823A>C on transcript NM_000030.3 (MANE Select); coding-DNA position 823, A replaced by C.
Protein change: p.Ser275Arg; replaces serine 275 with arginine.
Molecular consequence: missense variant.
Genome position (GRCh38, 1-based): chr2:240,875,981, A>C. VCF-style: chr2-240875981-A-C. GRCh37 (hg19) VCF-style: chr2-241815398-A-C.
Other names: short protein forms S275R.
Identifiers: ClinVar variation 204130 (VCV000204130.4), dbSNP rs180177272, ClinGen allele CA275743.

ClinVar aggregate classification (germline): Likely pathogenic. Review status: criteria provided, single submitter (1 of 4 stars). 3 submissions from 2 submitters: Likely pathogenic (2). 1 of the submissions does not count toward it. Last evaluated 2024-03-12.

Conditions:
Cardiac arrhythmia. Also called: Arrhythmia; Cardiac rhythm disease. Identifiers: MedGen C0003811, MONDO:0007263, HP:0011675.
Primary hyperoxaluria. Identifiers: Orphanet 416, MedGen C0020501, MONDO:0002474.
Primary hyperoxaluria, type I (HP1). Also called: GLYCOLIC ACIDURIA; HEPATIC AGT DEFICIENCY; OXALOSIS I; Primary hyperoxaluria type 1. Identifiers: Orphanet 416, Orphanet 93598, MedGen C0268164, MONDO:0009823, OMIM 259900. Disease mechanism: loss of function.

Submissions (3):

Women's Health and Genetics/Laboratory Corporation of America, LabCorp
Classification: Likely pathogenic for Primary hyperoxaluria. Last evaluated: 2024-03-12. Review status: criteria provided, single submitter. Criteria: LabCorp Variant Classification Summary - May 2015. Collection method: clinical testing. Allele origin: germline.
Comment: Variant summary: AGXT c.823A>C (p.Ser275Arg) results in a non-conservative amino acid change located in the Aminotransferase class V domain (IPR000192) of the encoded protein sequence. Five of five in-silico tools predict a damaging effect of the variant on protein function. The variant was absent in 251318 control chromosomes. To our knowledge, no occurrence of c.823A>C in individuals affected with Primary Hyperoxaluria Type 1 has been reported. At least one publication reports experimental evidence evaluating an impact on protein function demonstrating a significant decrease in activity (Pittman_2012, Lage_2014). The following publications have been ascertained in the context of this evaluation (PMID: 24718375, 22923379, 19479957). ClinVar contains an entry for this variant (Variation ID: 204130). Based on the evidence outlined above, the variant was classified as likely pathogenic.

Women's Health and Genetics/Laboratory Corporation of America, LabCorp
Classification: Likely pathogenic for Cardiac arrhythmia. Last evaluated: 2024-03-12. Review status: criteria provided, single submitter. Criteria: LabCorp Variant Classification Summary - May 2015. Collection method: clinical testing. Allele origin: germline.

Clinical Biochemistry Laboratory, Health Services Laboratory
Classification: Pathogenic for Primary hyperoxaluria, type I. Last evaluated: 2014-11-27. Review status: no assertion criteria provided. Collection method: in vitro. Allele origin: germline. Affected: yes. Not counted in ClinVar's aggregate classification.

Literature cited by the submitters: PubMed 19479957 (cited by Women's Health and Genetics/Laboratory Corporation of America, LabCorp and Clinical Biochemistry Laboratory, Health Services Laboratory); PubMed 22923379 (cited by Women's Health and Genetics/Laboratory Corporation of America, LabCorp and Clinical Biochemistry Laboratory, Health Services Laboratory); PubMed 24718375 (cited by Women's Health and Genetics/Laboratory Corporation of America, LabCorp).